The following is an entry in ClinVar:

ClinVar aggregate classification (germline): Uncertain significance (1 of 4 stars; one submission).

Conditions:
Hereditary cancer-predisposing syndrome. Also called: Neoplastic Syndromes, Hereditary; Tumor predisposition; Hereditary Cancer Syndrome; Hereditary neoplastic syndrome. Identifiers: Orphanet 140162, MedGen C0027672, MeSH D009386, MONDO:0015356.

Submission:

Ambry Genetics
Classification: Uncertain significance for Hereditary cancer-predisposing syndrome. Last evaluated: 2024-10-11. Review status: criteria provided, single submitter. Criteria: Ambry Variant Classification Scheme 2023. Collection method: clinical testing. Allele origin: germline.
Comment: The p.D767H variant (also known as c.2299G>C), located in coding exon 14 of the RAD50 gene, results from a G to C substitution at nucleotide position 2299. The aspartic acid at codon 767 is replaced by histidine, an amino acid with similar properties. This amino acid position is conserved. In addition, this alteration is predicted to be tolerated by in silico analysis. Based on the available evidence, the clinical significance of this variant remains unclear.

NM_005732.4(RAD50):c.2299G>C (p.Asp767His)

Gene: RAD50 (RAD50 double strand break repair protein; plus strand). Cytogenetic location: 5q31.1.
Variant type: single nucleotide variant.
Coding change: c.2299G>C on transcript NM_005732.4 (MANE Select); coding-DNA position 2299, G replaced by C.
Protein change: p.Asp767His; replaces aspartic acid 767 with histidine.
Molecular consequence: missense variant.
Genome position (GRCh38, 1-based): chr5:132,603,391, G>C. VCF-style: chr5-132603391-G-C. GRCh37 (hg19) VCF-style: chr5-131939083-G-C.
Other names: short protein forms D767H.
Identifiers: ClinVar variation 3429509 (VCV003429509.1).